The following is an entry in ClinVar:

ClinVar aggregate classification (germline): Likely benign. Review status: criteria provided, multiple submitters, no conflicts (2 of 4 stars). 3 submissions from 3 submitters: Likely benign (3). Last evaluated 2024-07-18.

Conditions:
Charcot-Marie-Tooth disease type 2. Also called: Charcot-Marie-Tooth type 2. Identifiers: Orphanet 64746, MedGen C0270914, MONDO:0018993.
Cardiovascular phenotype. Identifiers: MedGen CN230736.
Primary dilated cardiomyopathy (DCM). Also called: Dilated Cardiomyopathy. Identifiers: Orphanet 217604, MedGen C0007193, MeSH D002311, MONDO:0005021, HP:0001644. Inheritance: Various modes of inheritance.

Submissions (3):

Labcorp Genetics (formerly Invitae), Labcorp
Classification: Likely benign for Charcot-Marie-Tooth disease type 2. Last evaluated: 2024-07-18. Review status: criteria provided, single submitter. Criteria: Invitae Variant Classification Sherloc (09022015). Collection method: clinical testing. Allele origin: germline.

All of Us Research Program, National Institutes of Health
Classification: Likely benign for Primary dilated cardiomyopathy. Last evaluated: 2024-06-09. Review status: criteria provided, single submitter. Criteria: ACMG Guidelines, 2015. Collection method: clinical testing. Allele origin: germline. Inheritance: Autosomal dominant inheritance. Observed: 1 variant allele, 1 heterozygote.
Comment: This study involves interpretation of variants in research participants for the purpose of population health screening. Participant phenotype was not available at the time of variant classification. Additional details can be found in publication PMID: 35346344, PMCID: PMC8962531

Ambry Genetics
Classification: Likely benign for Cardiovascular phenotype. Last evaluated: 2024-03-17. Review status: criteria provided, single submitter. Criteria: Ambry Variant Classification Scheme 2023. Collection method: clinical testing. Allele origin: germline.

NM_170707.4(LMNA):c.15C>T (p.Ser5=)

Gene: LMNA (lamin A/C; plus strand). Cytogenetic location: 1q22.
Variant type: single nucleotide variant.
Coding change: c.15C>T on transcript NM_170707.4 (MANE Select); coding-DNA position 15, C replaced by T.
Protein change: p.Ser5=; no amino-acid change (serine 5 retained).
Molecular consequence: synonymous variant.
Genome position (GRCh38, 1-based): chr1:156,114,933, C>T. VCF-style: chr1-156114933-C-T. GRCh37 (hg19) VCF-style: chr1-156084724-C-T.
Other names: c.15C>T (NM_170707.2); c.15C>T, p.Ser5= (NM_001282625.2, NM_001282626.2, NM_005572.4 and 1 more transcripts).
Identifiers: ClinVar variation 700636 (VCV000700636.11), dbSNP rs1572331734, ClinGen allele CA421066898.
Genomic context (GRCh38, chr1:156,114,933, plus strand): 5'-TTTCCGGGACCCCTGCCCCGCGGGCAGCGCTGCCAACCTGCCGGCCATGGAGACCCCGTC[C>T]CAGCGGCGCGCCACCCGCAGCGGGGCGCAGGCCAGCTCCACTCCGCTGTCGCCCACCCGC-3'
Protein context (NP_733821.1, residues 1-15): METP[Ser5=]QRRATRSGAQ